The following is an entry in ClinVar:

ClinVar aggregate classification (germline): Uncertain significance (1 of 4 stars; one submission).

Submission:

Labcorp Genetics (formerly Invitae), Labcorp
Classification: Uncertain significance. Last evaluated: 2024-04-08. Review status: criteria provided, single submitter. Criteria: Invitae Variant Classification Sherloc (09022015). Collection method: clinical testing. Allele origin: germline.
Comment: This sequence change creates a premature translational stop signal (p.Leu494Profs*6) in the SIAE gene. While this is not anticipated to result in nonsense mediated decay, it is expected to disrupt the last 30 amino acid(s) of the SIAE protein. This variant is present in population databases (no rsID available, gnomAD 0.003%). This variant has not been reported in the literature in individuals affected with SIAE-related conditions. Experimental studies and prediction algorithms are not available or were not evaluated, and the functional significance of this variant is currently unknown. In summary, the available evidence is currently insufficient to determine the role of this variant in disease. Therefore, it has been classified as a Variant of Uncertain Significance.

NM_170601.5(SIAE):c.1480dup (p.Leu494fs)

Gene: SIAE (sialic acid acetylesterase; minus strand). Cytogenetic location: 11q24.2.
Variant type: Duplication.
Coding change: c.1480dup on transcript NM_170601.5 (MANE Select); coding-DNA position 1480, one base duplicated (C; older notation c.1480dupC).
Protein change: p.Leu494fs; shifts the reading frame from leucine 494.
Molecular consequence: frameshift variant.
Genome position (GRCh38, 1-based): chr11:124,637,043, G duplicated on the plus strand (C on the coding strand, the reverse complement: SIAE is on the minus strand); the first of 4 consecutive G bases (chr11:124,637,043-124,637,046); duplicating any one gives the same sequence. VCF-style (leftmost placement, unchanged base first): chr11-124637042-A-AG. GRCh37 (hg19) VCF-style: chr11-124506938-A-AG.
Other names: c.1375dup, p.Leu459fs (NM_001199922.2); short protein forms L494fs, L459fs.
Identifiers: ClinVar variation 3648537 (VCV003648537.2).
Genomic context (GRCh38, chr11:124,637,042, plus strand): 5'-CCCTGGTCTGTAATGAAAGCAATGAAGGGAGGGGCTGGCAGGGCACTACTGGGGTGGTAT[A>AG]GGGGACACTGCTTATATTCACAAGGCCACGTGGTCCAAGCATAGCGGAGAGCAACCACAG-3'